The following is an entry in ClinVar:

NM_001205293.3(CACNA1E):c.395T>C (p.Ile132Thr)

Gene: CACNA1E (calcium voltage-gated channel subunit alpha1 E; plus strand). Cytogenetic location: 1q25.3.
Variant type: single nucleotide variant.
Coding change: c.395T>C on transcript NM_001205293.3 (MANE Select); coding-DNA position 395, T replaced by C.
Protein change: p.Ile132Thr; replaces isoleucine 132 with threonine.
Molecular consequence: missense variant.
Genome position (GRCh38, 1-based): chr1:181,511,393, T>C. VCF-style: chr1-181511393-T-C. GRCh37 (hg19) VCF-style: chr1-181480529-T-C.
Other names: c.395T>C, p.Ile132Thr (NM_000721.4, NM_001205294.2); short protein forms I132T.
Identifiers: ClinVar variation 3343577 (VCV003343577.1).
Genomic context (GRCh38, chr1:181,511,393, plus strand): 5'-CCTCTTCTCACTGGTGCTTCTGCTCCTCATCCCCACAGGAGAAGACAGAACCTTATTTCA[T>C]TGGGATCTTTTGCTTTGAAGCTGGGATCAAAATTGTGGCCCTGGGGTTCATCTTCCATAA-3'
Protein context (NP_001192222.1, residues 122-142): RRLEKTEPYF[Ile132Thr]GIFCFEAGIK

ClinVar aggregate classification (germline): Uncertain significance (1 of 4 stars; one submission).

Submission:

GeneDx
Classification: Uncertain significance. Last evaluated: 2023-05-19. Review status: criteria provided, single submitter. Criteria: GeneDx Variant Classification Process June 2021. Collection method: clinical testing. Allele origin: germline. Affected: yes.
Comment: Not observed at significant frequency in large population cohorts (gnomAD); In silico analysis supports that this missense variant has a deleterious effect on protein structure/function; Has not been previously published as pathogenic or benign to our knowledge